The following is an entry in ClinVar:

ClinVar aggregate classification (germline): Uncertain significance (1 of 4 stars; one submission).

Submission:

Labcorp Genetics (formerly Invitae), Labcorp
Classification: Uncertain significance. Last evaluated: 2025-08-11. Review status: criteria provided, single submitter. Criteria: Invitae Variant Classification Sherloc (09022015). Collection method: clinical testing. Allele origin: germline.
Comment: This sequence change falls in intron 2 of the DCHS1 gene. It does not directly change the encoded amino acid sequence of the DCHS1 protein. This variant is not present in population databases (gnomAD no frequency). This variant has not been reported in the literature in individuals affected with DCHS1-related conditions. Algorithms developed to predict the effect of sequence changes on RNA splicing suggest that this variant may disrupt the consensus splice site. In summary, the available evidence is currently insufficient to determine the role of this variant in disease. Therefore, it has been classified as a Variant of Uncertain Significance.

NM_003737.4(DCHS1):c.1798-5C>G

Gene: DCHS1 (dachsous cadherin-related 1; minus strand). Cytogenetic location: 11p15.4.
Variant type: single nucleotide variant.
Coding change: c.1798-5C>G on transcript NM_003737.4 (MANE Select); 5 bases into the intron before coding-DNA position 1798, C replaced by G.
Molecular consequence: intron variant.
Genome position (GRCh38, 1-based): chr11:6,634,311, G>C on the plus strand (C>G on the coding strand, the complement: DCHS1 is on the minus strand). VCF-style: chr11-6634311-G-C. GRCh37 (hg19) VCF-style: chr11-6655542-G-C.
Identifiers: ClinVar variation 4725243 (VCV004725243.1).